The following is an entry in ClinVar:

ClinVar aggregate classification (germline): Uncertain significance (1 of 4 stars; one submission).

Conditions:
Immunodeficiency, common variable, 10. Also called: IMMUNODEFICIENCY, COMMON VARIABLE, WITH CENTRAL ADRENAL INSUFFICIENCY; DEFICIT IN ANTERIOR PITUITARY FUNCTION AND VARIABLE IMMUNODEFICIENCY. Identifiers: MedGen C3809991, MONDO:0014260, OMIM 615577.

Submission:

Labcorp Genetics (formerly Invitae), Labcorp
Classification: Uncertain significance for Immunodeficiency, common variable, 10. Last evaluated: 2025-11-06. Review status: criteria provided, single submitter. Criteria: Invitae Variant Classification Sherloc (09022015). Collection method: clinical testing. Allele origin: germline.
Comment: This sequence change replaces phenylalanine, which is neutral and non-polar, with leucine, which is neutral and non-polar, at codon 379 of the NFKB2 protein (p.Phe379Leu). This variant is not present in population databases (gnomAD no frequency). This variant has not been reported in the literature in individuals affected with NFKB2-related conditions. An algorithm developed to predict the effect of missense changes on protein structure and function (PolyPhen-2) suggests that this variant is likely to be tolerated. In summary, the available evidence is currently insufficient to determine the role of this variant in disease. Therefore, it has been classified as a Variant of Uncertain Significance.

NM_001322934.2(NFKB2):c.1135T>C (p.Phe379Leu)

Genes: NFKB2 (nuclear factor kappa B subunit 2; plus strand), LOC130004599 (ATAC-STARR-seq lymphoblastoid silent region 2756; plus strand). Cytogenetic location: 10q24.32.
Variant type: single nucleotide variant.
Coding change: c.1135T>C on transcript NM_001322934.2 (MANE Select); coding-DNA position 1135, T replaced by C.
Protein change: p.Phe379Leu; replaces phenylalanine 379 with leucine.
Molecular consequence: missense variant.
Genome position (GRCh38, 1-based): chr10:102,399,305, T>C. VCF-style: chr10-102399305-T-C. GRCh37 (hg19) VCF-style: chr10-104159062-T-C.
Other names: c.1135T>C, p.Phe379Leu (NM_001077494.3, NM_001261403.3, NM_001288724.1 and 1 more transcripts); c.1009T>C, p.Phe337Leu (NM_001322935.1); short protein forms F337L, F379L.
Identifiers: ClinVar variation 4812264 (VCV004812264.1).
Genomic context (GRCh38, chr10:102,399,305, plus strand): 5'-CATGGCTGGTGCCCGCTTCCCACAGCCCTGCCTGTATCCACAGGTGGCAGCCTCGGTTTC[T>C]TCCCCTCCTCCCTGGCCTACAGCCCCTACCAGTCCGGCGCGGGCCCCATGGGCTGCTACC-3'
Protein context (NP_001309863.1, residues 369-389): GAGGGGSLGF[Phe379Leu]PSSLAYSPYQ